The following is an entry in ClinVar:

NM_015046.7(SETX):c.7584A>C (p.Glu2528Asp)

Gene: SETX (senataxin; minus strand). Cytogenetic location: 9q34.13.
Variant type: single nucleotide variant.
Coding change: c.7584A>C on transcript NM_015046.7 (MANE Select); coding-DNA position 7584, A replaced by C.
Protein change: p.Glu2528Asp; replaces glutamic acid 2528 with aspartic acid.
Molecular consequence: missense variant.
Genome position (GRCh38, 1-based): chr9:132,264,689, T>G on the plus strand (A>C on the coding strand, the complement: SETX is on the minus strand). VCF-style: chr9-132264689-T-G. GRCh37 (hg19) VCF-style: chr9-135140076-T-G.
Other names: c.7584A>C, p.Glu2528Asp (NM_001351527.2); c.7671A>C, p.Glu2557Asp (NM_001351528.2); short protein forms E2528D, E2557D.
Identifiers: ClinVar variation 1054319 (VCV001054319.9), dbSNP rs2131113303, ClinGen allele CA375324563.
Genomic context (GRCh38, chr9:132,264,689, plus strand): 5'-CTCAATGCCCATCCTCTTCAGCAGTCGTGGGTCCTGAAGTTGGTCATGAACAGGAGGTCT[T>G]TCAGGGTCCTTTGAAGTAACAGTAAGAGTAATTTCCTTGGAGTCAGAGGGTGTGTGGTAT-3'
Protein context (NP_055861.3, residues 2518-2538): ITLTVTSKDP[Glu2528Asp]RPPVHDQLQD

ClinVar aggregate classification (germline): Uncertain significance (1 of 4 stars; one submission).

Conditions:
Amyotrophic lateral sclerosis type 4 (ALS4). Also called: AMYOTROPHIC LATERAL SCLEROSIS 4, JUVENILE; NEURONOPATHY, DISTAL HEREDITARY MOTOR, WITH PYRAMIDAL FEATURES. Identifiers: Orphanet 357043, MedGen C1865409, MONDO:0011223, OMIM 602433.
Spinocerebellar ataxia, autosomal recessive, with axonal neuropathy 2 (SCAN2). Also called: ATAXIA-OCULOMOTOR APRAXIA 2; Ataxia with Oculomotor Apraxia; Ataxia-ocular apraxia-2; Ataxia with Oculomotor Apraxia Type 2. Identifiers: Orphanet 64753, MedGen C1853761, MONDO:0018996, OMIM 606002.

Allele frequency attached by ClinVar (database versions not stated): gnomAD exomes below 0.00001.
gnomAD v4.1: 1 of 1,614,220 alleles (0.000062%); highest among the groups gnomAD compares: South Asian, 0.0011%; no homozygotes.

Submission:

Labcorp Genetics (formerly Invitae), Labcorp
Classification: Uncertain significance for Amyotrophic lateral sclerosis type 4; Spinocerebellar ataxia, autosomal recessive, with axonal neuropathy 2. Last evaluated: 2020-06-21. Review status: criteria provided, single submitter. Criteria: Invitae Variant Classification Sherloc (09022015). Collection method: clinical testing. Allele origin: germline.
Comment: In summary, the available evidence is currently insufficient to determine the role of this variant in disease. Therefore, it has been classified as a Variant of Uncertain Significance. Algorithms developed to predict the effect of missense changes on protein structure and function (SIFT, PolyPhen-2, Align-GVGD) all suggest that this variant is likely to be tolerated, but these predictions have not been confirmed by published functional studies and their clinical significance is uncertain. This variant has not been reported in the literature in individuals with SETX-related conditions. This variant is not present in population databases (ExAC no frequency). This sequence change replaces glutamic acid with aspartic acid at codon 2528 of the SETX protein (p.Glu2528Asp). The glutamic acid residue is weakly conserved and there is a small physicochemical difference between glutamic acid and aspartic acid.